The following is an entry in ClinVar:

NM_001283009.2(RTEL1):c.3443C>A (p.Pro1148His)

Genes: RTEL1 (regulator of telomere elongation helicase 1; plus strand), RTEL1-TNFRSF6B (RTEL1-TNFRSF6B readthrough (NMD candidate); plus strand). Cytogenetic location: 20q13.33.
Variant type: single nucleotide variant.
Coding change: c.3443C>A on transcript NM_001283009.2 (MANE Select); coding-DNA position 3443, C replaced by A.
Protein change: p.Pro1148His; replaces proline 1148 with histidine.
Molecular consequence: missense variant. On other transcripts: non-coding transcript variant (1).
Genome position (GRCh38, 1-based): chr20:63,695,165, C>A. VCF-style: chr20-63695165-C-A. GRCh37 (hg19) VCF-style: chr20-62326518-C-A.
Other names: c.3515C>A (NM_032957.4); c.2774C>A, p.Pro925His (NM_001283010.1); c.3443C>A, p.Pro1148His (NM_016434.4); c.3515C>A, p.Pro1172His (NM_032957.5); short protein forms P1148H, P925H, P1172H.
Identifiers: ClinVar variation 854660 (VCV000854660.10), dbSNP rs116773320, ClinGen allele CA9966034.

ClinVar aggregate classification (germline): Uncertain significance. Review status: criteria provided, multiple submitters, no conflicts (2 of 4 stars). 4 submissions from 4 submitters: Uncertain significance (3). 1 of the submissions does not count toward it. Last evaluated 2025-11-10.

Conditions:
Inborn genetic diseases. Identifiers: MedGen C0950123, MeSH D030342.
Dyskeratosis congenita. Identifiers: Orphanet 1775, MedGen C0265965, MONDO:0015780.
Dyskeratosis congenita, autosomal recessive 5 (DKCB5). Identifiers: MedGen C3554656, MONDO:0014076, OMIM 615190.
Pulmonary fibrosis and/or bone marrow failure, Telomere-related, 3. Also called: PULMONARY FIBROSIS AND/OR BONE MARROW FAILURE SYNDROME, TELOMERE-RELATED, 3. Identifiers: Orphanet 2032, MedGen C4225346, MONDO:0014613, OMIM 616373.

Allele frequency attached by ClinVar (database versions not stated): TOPMed 0.00005; ESP Exome Variant Server 0.00008.
gnomAD v4.1: 148 of 1,612,360 alleles (0.0092%); highest among the groups gnomAD compares: Non-Finnish European, 0.012%; no homozygotes.

Submissions (4):

Labcorp Genetics (formerly Invitae), Labcorp
Classification: Uncertain significance for Dyskeratosis congenita, autosomal recessive 5; Pulmonary fibrosis and/or bone marrow failure, Telomere-related, 3. Last evaluated: 2025-11-10. Review status: criteria provided, single submitter. Criteria: Invitae Variant Classification Sherloc (09022015). Collection method: clinical testing. Allele origin: germline.
Comment: This sequence change replaces proline, which is neutral and non-polar, with histidine, which is basic and polar, at codon 1148 of the RTEL1 protein (p.Pro1148His). This variant is present in population databases (rs116773320, gnomAD 0.002%). This variant has not been reported in the literature in individuals affected with RTEL1-related conditions. ClinVar contains an entry for this variant (Variation ID: 854660). An algorithm developed to predict the effect of missense changes on protein structure and function (PolyPhen-2) suggests that this variant is likely to be disruptive. In summary, the available evidence is currently insufficient to determine the role of this variant in disease. Therefore, it has been classified as a Variant of Uncertain Significance.

GeneDx
Classification: Uncertain significance. Last evaluated: 2025-08-27. Review status: criteria provided, single submitter. Criteria: GeneDx Variant Classification Process June 2021. Collection method: clinical testing. Allele origin: germline. Affected: yes.
Comment: Not observed at significant frequency in large population cohorts (gnomAD); In silico analysis supports that this missense variant has a deleterious effect on protein structure/function; Has not been previously published as pathogenic or benign to our knowledge

Ambry Genetics
Classification: Uncertain significance for Inborn genetic diseases. Last evaluated: 2024-12-01. Review status: criteria provided, single submitter. Criteria: Ambry Variant Classification Scheme 2023. Collection method: clinical testing. Allele origin: germline.
Comment: The p.P1148H variant (also known as c.3443C>A), located in coding exon 32 of the RTEL1 gene, results from a C to A substitution at nucleotide position 3443. The proline at codon 1148 is replaced by histidine, an amino acid with similar properties. This amino acid position is conserved. In addition, the in silico prediction for this alteration is inconclusive. Based on the available evidence, the clinical significance of this variant remains unclear.

Natera, Inc.
Classification: Uncertain significance for Dyskeratosis congenita. Last evaluated: 2019-11-11. Review status: no assertion criteria provided. Collection method: clinical testing. Allele origin: germline. Not counted in ClinVar's aggregate classification.